The following is an entry in ClinVar:

ClinVar aggregate classification (germline): Likely pathogenic (1 of 4 stars; one submission).

Conditions:
Long QT syndrome 2 (LQT2). Identifiers: Orphanet 101016, Orphanet 768, MedGen C3150943, MONDO:0013367, OMIM 613688.

Submission:

Juno Genomics, Hangzhou Juno Genomics, Inc
Classification: Likely pathogenic for Long QT syndrome 2. Review status: criteria provided, single submitter. Criteria: ACMG Guidelines, 2015. Collection method: clinical testing. Allele origin: germline.
Comment: Absent from controls (or at extremely low frequency if recessive) in Genome Aggregation Database.;Null variant in a gene where loss of function (LOF) is a known mechanism of disease.

NM_000238.4(KCNH2):c.851C>A (p.Ser284Ter)

Gene: KCNH2 (potassium voltage-gated channel subfamily H member 2; minus strand). Cytogenetic location: 7q36.1.
Variant type: single nucleotide variant.
Coding change: c.851C>A on transcript NM_000238.4 (MANE Select); coding-DNA position 851, C replaced by A.
Protein change: p.Ser284Ter; replaces serine 284 with a stop codon.
Molecular consequence: nonsense. On other transcripts: non-coding transcript variant (1).
Genome position (GRCh38, 1-based): chr7:150,958,124, G>T on the plus strand (C>A on the coding strand, the complement: KCNH2 is on the minus strand). VCF-style: chr7-150958124-G-T. GRCh37 (hg19) VCF-style: chr7-150655212-G-T.
Other names: c.563C>A, p.Ser188Ter (NM_001406753.1, NM_001406756.1); c.674C>A, p.Ser225Ter (NM_001406755.1); c.551C>A, p.Ser184Ter (NM_001406757.1); c.851C>A, p.Ser284Ter (NM_172056.3); short protein forms S184*, S188*, S225*, S284*.
Identifiers: ClinVar variation 5019998 (VCV005019998.2).